The following is an entry in ClinVar:

ClinVar aggregate classification (germline): Uncertain significance (1 of 4 stars; one submission).

gnomAD v4.1: 10 of 1,614,002 alleles (0.00062%); highest among the groups gnomAD compares: South Asian, 0.0022%; no homozygotes.

Submission:

Labcorp Genetics (formerly Invitae), Labcorp
Classification: Uncertain significance. Last evaluated: 2025-03-30. Review status: criteria provided, single submitter. Criteria: Invitae Variant Classification Sherloc (09022015). Collection method: clinical testing. Allele origin: germline.
Comment: This sequence change replaces arginine, which is basic and polar, with tryptophan, which is neutral and slightly polar, at codon 4927 of the RNF213 protein (p.Arg4927Trp). This variant is present in population databases (no rsID available, gnomAD 0.002%). This missense change has been observed in individual(s) with clinical features of Moyamoya disease (internal data). Invitae Evidence Modeling of protein sequence and biophysical properties (such as structural, functional, and spatial information, amino acid conservation, physicochemical variation, residue mobility, and thermodynamic stability) indicates that this missense variant is not expected to disrupt RNF213 protein function with a negative predictive value of 95%. In summary, the available evidence is currently insufficient to determine the role of this variant in disease. Therefore, it has been classified as a Variant of Uncertain Significance.

NM_001256071.3(RNF213):c.14779C>T (p.Arg4927Trp)

Genes: RNF213 (ring finger protein 213; plus strand), RNF213-AS1 (RNF213 antisense RNA 1; minus strand). Cytogenetic location: 17q25.3.
Variant type: single nucleotide variant.
Coding change: c.14779C>T on transcript NM_001256071.3 (MANE Select); coding-DNA position 14779, C replaced by T.
Protein change: p.Arg4927Trp; replaces arginine 4927 with tryptophan.
Molecular consequence: missense variant.
Genome position (GRCh38, 1-based): chr17:80,386,748, C>T. VCF-style: chr17-80386748-C-T. GRCh37 (hg19) VCF-style: chr17-78360548-C-T.
Other names: c.14926C>T, p.Arg4976Trp (NM_001410195.1, NM_020914.5); short protein forms R4927W, R4976W.
Identifiers: ClinVar variation 4761098 (VCV004761098.1).